The following is an entry in ClinVar:

ClinVar aggregate classification (germline): Uncertain significance. Review status: criteria provided, multiple submitters, no conflicts (2 of 4 stars). 2 submissions from 2 submitters: Uncertain significance (2). Last evaluated 2024-02-19.

Conditions:
Methylmalonic aciduria and homocystinuria type cblF. Also called: METHYLMALONIC ACIDEMIA AND HOMOCYSTINURIA, cblF TYPE; METHYLMALONIC ACIDURIA DUE TO VITAMIN B12-RELEASE DEFECT; VITAMIN B12 LYSOSOMAL RELEASE DEFECT; VITAMIN B12 STORAGE DISEASE; COBALAMIN F DISEASE; COBALAMIN, DEFECT IN LYSOSOMAL RELEASE OF. Identifiers: Orphanet 79284, MedGen C1848578, MONDO:0010183, OMIM 277380.

Allele frequency attached by ClinVar (database versions not stated): gnomAD exomes 0.00002 and 0.00007; ExAC 0.00008; gnomAD 0.00012 and 0.00013; ESP Exome Variant Server 0.00008; TOPMed 0.00013; 1000 Genomes Project 30x 0.00047; 1000 Genomes Project 0.00060.
gnomAD v4.1: 47 of 1,519,298 alleles (0.0031%); highest among the groups gnomAD compares: African/African-American, 0.035%; no homozygotes.

Submissions (2):

Mayo Clinic Laboratories, Mayo Clinic
Classification: Uncertain significance. Last evaluated: 2024-02-19. Review status: criteria provided, single submitter. Criteria: ACMG Guidelines, 2015. Collection method: clinical testing. Allele origin: germline. Observed: 1 variant allele.
Comment: BP4

Labcorp Genetics (formerly Invitae), Labcorp
Classification: Uncertain significance for Methylmalonic aciduria and homocystinuria type cblF. Last evaluated: 2022-05-16. Review status: criteria provided, single submitter. Criteria: Invitae Variant Classification Sherloc (09022015). Collection method: clinical testing. Allele origin: germline.
Comment: This sequence change replaces isoleucine, which is neutral and non-polar, with valine, which is neutral and non-polar, at codon 390 of the LMBRD1 protein (p.Ile390Val). This variant is present in population databases (rs140727621, gnomAD 0.05%). This variant has not been reported in the literature in individuals affected with LMBRD1-related conditions. Algorithms developed to predict the effect of missense changes on protein structure and function are either unavailable or do not agree on the potential impact of this missense change (SIFT: "Deleterious"; PolyPhen-2: "Benign"; Align-GVGD: "Class C25"). Algorithms developed to predict the effect of sequence changes on RNA splicing suggest that this variant may create or strengthen a splice site. In summary, the available evidence is currently insufficient to determine the role of this variant in disease. Therefore, it has been classified as a Variant of Uncertain Significance.

Literature cited by the submitters: PubMed 36755623 (cited by Mayo Clinic Laboratories, Mayo Clinic).

NM_018368.4(LMBRD1):c.1168A>G (p.Ile390Val)

Gene: LMBRD1 (LMBR1 domain containing 1; minus strand). Cytogenetic location: 6q13.
Variant type: single nucleotide variant.
Coding change: c.1168A>G on transcript NM_018368.4 (MANE Select); coding-DNA position 1168, A replaced by G.
Protein change: p.Ile390Val; replaces isoleucine 390 with valine.
Molecular consequence: missense variant.
Genome position (GRCh38, 1-based): chr6:69,700,785, T>C on the plus strand (A>G on the coding strand, the complement: LMBRD1 is on the minus strand). VCF-style: chr6-69700785-T-C. GRCh37 (hg19) VCF-style: chr6-70410677-T-C.
Other names: p.Ile390Val; c.949A>G, p.Ile317Val (NM_001363722.2, NM_001367271.1, NM_001367272.1); short protein forms I317V, I390V.
Identifiers: ClinVar variation 1380739 (VCV001380739.6), dbSNP rs140727621, ClinGen allele CA3879670.
Genomic context (GRCh38, chr6:69,700,785, plus strand): 5'-AAAATGATGAGAAAAAAATAATACTGTAATATATACTTACTCTAATCCAAAAGAACCATA[T>C]GCCAATATTTCGAATTCCTGCCATTGAAGTAAAAATAAAGTACATAATAATAATTGTTAT-3'
Protein context (NP_060838.3, residues 380-400): TSMAGIRNIG[Ile390Val]WFFWIRLYKI